The following is an entry in ClinVar:

NM_001943.5(DSG2):c.561T>C (p.Asp187=)

Gene: DSG2 (desmoglein 2; plus strand). Cytogenetic location: 18q12.1.
Variant type: single nucleotide variant.
Coding change: c.561T>C on transcript NM_001943.5 (MANE Select); coding-DNA position 561, T replaced by C.
Protein change: p.Asp187=; no amino-acid change (aspartic acid 187 retained).
Molecular consequence: synonymous variant.
Genome position (GRCh38, 1-based): chr18:31,522,120, T>C. VCF-style: chr18-31522120-T-C. GRCh37 (hg19) VCF-style: chr18-29102083-T-C.
Other names: c.561T>C (NM_001943.3).
Identifiers: ClinVar variation 1119816 (VCV001119816.11), dbSNP rs573318445, ClinGen allele CA049400.
Genomic context (GRCh38, chr18:31,522,120, plus strand): 5'-GACATCTTTATTTCTAATGCCAGATACTCTTGTGATGAAAATCAATGCAACAGATGCAGA[T>C]GAGCCCAATACCCTGAATTCGAAAATTTCCTATAGAATCGTATCTCTGGAGCCTGCTTAT-3'
Protein context (NP_001934.2, residues 177-197): LVMKINATDA[Asp187=]EPNTLNSKIS

ClinVar aggregate classification (germline): Likely benign. Review status: criteria provided, multiple submitters, no conflicts (2 of 4 stars). 3 submissions from 3 submitters: Likely benign (3). Last evaluated 2024-07-20.

Conditions:
Arrhythmogenic right ventricular cardiomyopathy (ARVD). Also called: Cardiomyopathy, ARVC; Arrhythmogenic right ventricular dysplasia; Arrhythmogenic cardiomyopathy; Arrhythmogenic Right Ventricular Cardiomyopathy (ARVC). Identifiers: Orphanet 247, MedGen C0349788, MeSH D019571, MONDO:0016587. Disease mechanism: loss of function. Inheritance: Various modes of inheritance.
Arrhythmogenic right ventricular dysplasia 10. Also called: Arrhythmogenic Right Ventricular Dysplasia/Cardiomyopathy10; ARRHYTHMOGENIC RIGHT VENTRICULAR DYSPLASIA, FAMILIAL, 10; Arrhythmogenic right ventricular dysplasia/cardiomyopathy, type 10. Identifiers: MedGen C1857777, MONDO:0012434, OMIM 610193.
Cardiovascular phenotype. Identifiers: MedGen CN230736.

Allele frequency attached by ClinVar (database versions not stated): 1000 Genomes Project 0.00020; gnomAD 0.00001; gnomAD exomes 0.00001 and below 0.00001; 1000 Genomes Project 30x 0.00016; ExAC 0.00001.
gnomAD v4.1: 3 of 1,613,464 alleles (0.00019%); highest among the groups gnomAD compares: Admixed American, 0.0033%; no homozygotes.

Submissions (3):

All of Us Research Program, National Institutes of Health
Classification: Likely benign for Arrhythmogenic right ventricular cardiomyopathy. Last evaluated: 2024-07-20. Review status: criteria provided, single submitter. Criteria: ACMG Guidelines, 2015. Collection method: clinical testing. Allele origin: germline. Inheritance: Autosomal dominant inheritance. Observed: 1 variant allele, 1 heterozygote.
Comment: This study involves interpretation of variants in research participants for the purpose of population health screening. Participant phenotype was not available at the time of variant classification. Additional details can be found in publication PMID: 35346344, PMCID: PMC8962531

Ambry Genetics
Classification: Likely benign for Cardiovascular phenotype. Last evaluated: 2023-02-13. Review status: criteria provided, single submitter. Criteria: Ambry Variant Classification Scheme 2023. Collection method: clinical testing. Allele origin: germline.

Labcorp Genetics (formerly Invitae), Labcorp
Classification: Likely benign for Arrhythmogenic right ventricular dysplasia 10. Last evaluated: 2022-03-18. Review status: criteria provided, single submitter. Criteria: Invitae Variant Classification Sherloc (09022015). Collection method: clinical testing. Allele origin: germline.